The following is an entry in ClinVar:

NM_003597.5(KLF11):c.1039G>A (p.Ala347Thr)

Gene: KLF11 (KLF transcription factor 11; plus strand). Cytogenetic location: 2p25.1.
Variant type: single nucleotide variant.
Coding change: c.1039G>A on transcript NM_003597.5 (MANE Select); coding-DNA position 1039, G replaced by A.
Protein change: p.Ala347Thr; replaces alanine 347 with threonine.
Molecular consequence: missense variant.
Genome position (GRCh38, 1-based): chr2:10,048,376, G>A. VCF-style: chr2-10048376-G-A. GRCh37 (hg19) VCF-style: chr2-10188503-G-A.
Other names: c.988G>A, p.Ala330Thr (NM_001177716.2, NM_001177718.2); short protein forms A330T, A347T.
Identifiers: ClinVar variation 2636747 (VCV002636747.2), dbSNP rs121912645, ClinGen allele CA345803695.
Genomic context (GRCh38, chr2:10,048,376, plus strand): 5'-CCTGTGTTCGTGGGACCTGCTGTGCCTCAGGGAGCTGTGATGTTGGTCCTGCCCCAGGGA[G>A]CCCTCCCTCCGCCTGCCCCCTGTGCAGCCAATGTCATGGCTGCCGGGAATACCAAGTTGT-3'
Protein context (NP_003588.1, residues 337-357): GAVMLVLPQG[Ala347Thr]LPPPAPCAAN

ClinVar aggregate classification (germline): Uncertain significance (0 of 4 stars; one submission).

Conditions:
KLF11-related disorder. Also called: KLF11-related condition.

Submission:

PreventionGenetics, part of Exact Sciences
Classification: Uncertain significance for KLF11-related condition. Last evaluated: 2024-06-11. Review status: no assertion criteria provided. Collection method: clinical testing. Allele origin: germline.
Comment: The KLF11 c.1039G>A variant is predicted to result in the amino acid substitution p.Ala347Thr. To our knowledge, this variant has not been reported in the literature or in a large population database, indicating this variant is rare. Another amino acid substitution at this position (p.Ala347Ser) has been reported to segregate with type 2 diabetes mellitus/glucose intolerance in a four generation family described as having a MODY-like phenotype (Neve et al. 2005. PubMed ID: 15774581) and functional studies demonstrated that this variant impairs protein function (Lomberk et al. 2013. PubMed ID: 23589285). At this time, the clinical significance of p.Ala347Thr is uncertain due to the absence of conclusive functional and genetic evidence.